The following is an entry in ClinVar:

NM_002693.3(POLG):c.1307C>T (p.Pro436Leu)

Gene: POLG (DNA polymerase gamma, catalytic subunit; minus strand). Cytogenetic location: 15q26.1.
Variant type: single nucleotide variant.
Coding change: c.1307C>T on transcript NM_002693.3 (MANE Select); coding-DNA position 1307, C replaced by T.
Protein change: p.Pro436Leu; replaces proline 436 with leucine.
Molecular consequence: missense variant.
Genome position (GRCh38, 1-based): chr15:89,327,293, G>A on the plus strand (C>T on the coding strand, the complement: POLG is on the minus strand). VCF-style: chr15-89327293-G-A. GRCh37 (hg19) VCF-style: chr15-89870524-G-A.
Other names: c.1307C>T, p.Pro436Leu (NM_001126131.2); short protein forms P436L.
Identifiers: ClinVar variation 2850757 (VCV002850757.3), dbSNP rs1255723699, ClinGen allele CA393762536.

ClinVar aggregate classification (germline): Uncertain significance (1 of 4 stars; one submission).

Conditions:
Progressive sclerosing poliodystrophy (MTDPS4A). Also called: Mitochondrial DNA depletion syndrome 4A (Alpers type); ALPERS PROGRESSIVE INFANTILE POLIODYSTROPHY; NEURONAL DEGENERATION OF CHILDHOOD WITH LIVER DISEASE, PROGRESSIVE; Alpers Syndrome; ALPERS DIFFUSE DEGENERATION OF CEREBRAL GRAY MATTER WITH HEPATIC CIRRHOSIS; Alpers-Huttenlocher Syndrome. Identifiers: Orphanet 726, MedGen C0205710, MONDO:0008758, OMIM 203700.

Submission:

Labcorp Genetics (formerly Invitae), Labcorp
Classification: Uncertain significance for Progressive sclerosing poliodystrophy. Last evaluated: 2023-10-03. Review status: criteria provided, single submitter. Criteria: Invitae Variant Classification Sherloc (09022015). Collection method: clinical testing. Allele origin: germline.
Comment: This sequence change replaces proline, which is neutral and non-polar, with leucine, which is neutral and non-polar, at codon 436 of the POLG protein (p.Pro436Leu). This variant is not present in population databases (gnomAD no frequency). This variant has not been reported in the literature in individuals affected with POLG-related conditions. Advanced modeling of protein sequence and biophysical properties (such as structural, functional, and spatial information, amino acid conservation, physicochemical variation, residue mobility, and thermodynamic stability) performed at Invitae indicates that this missense variant is expected to disrupt POLG protein function. In summary, the available evidence is currently insufficient to determine the role of this variant in disease. Therefore, it has been classified as a Variant of Uncertain Significance.